The following is an entry in ClinVar:

NM_001267550.2(TTN):c.62147A>C (p.Glu20716Ala)

Genes: TTN-AS1 (TTN antisense RNA 1; plus strand), TTN (titin; minus strand). Cytogenetic location: 2q31.2.
Variant type: single nucleotide variant.
Coding change: c.62147A>C on transcript NM_001267550.2 (MANE Select); coding-DNA position 62147, A replaced by C.
Protein change: p.Glu20716Ala; replaces glutamic acid 20716 with alanine.
Molecular consequence: missense variant.
Genome position (GRCh38, 1-based): chr2:178,589,578, T>G on the plus strand (A>C on the coding strand, the complement: TTN is on the minus strand). VCF-style: chr2-178589578-T-G. GRCh37 (hg19) VCF-style: chr2-179454305-T-G.
Other names: c.57224A>C, p.Glu19075Ala (NM_001256850.1); c.34952A>C, p.Glu11651Ala (NM_003319.4); c.54443A>C, p.Glu18148Ala (NM_133378.4); c.35327A>C, p.Glu11776Ala (NM_133432.3); c.35528A>C, p.Glu11843Ala (NM_133437.4); short protein forms E11651A, E11776A, E11843A, E18148A, E19075A, E20716A.
Identifiers: ClinVar variation 4535347 (VCV004535347.6).
Genomic context (GRCh38, chr2:178,589,578, plus strand): 5'-TTTTCAACACATCTGTCAACCATGTAGTGAGTTTCTTTAATGCTTCCTTTATGCACTCTT[T>G]CCCAGTCATCGGAGCCCTTAAGCCTTCTCTCAACATGATATGACAGATTTGGACTGCCAC-3'
Protein context (NP_001254479.2, residues 20706-20726): ERRLKGSDDW[Glu20716Ala]RVHKGSIKET

ClinVar aggregate classification (germline): Uncertain significance (1 of 4 stars; one submission).

gnomAD v4.1: 3 of 1,613,308 alleles (0.00019%); highest among the groups gnomAD compares: Non-Finnish European, 0.00017%; no homozygotes.

Submission:

CeGaT Center for Human Genetics Tuebingen
Classification: Uncertain significance. Last evaluated: 2025-11-01. Review status: criteria provided, single submitter. Criteria: CeGaT Center For Human Genetics Tuebingen Variant Classification Criteria Version 2. Collection method: clinical testing. Allele origin: germline. Affected: yes. Observed: 1 variant allele.
Comment: TTN: PM2